The following is an entry in ClinVar:

ClinVar aggregate classification (germline): Uncertain significance. Review status: criteria provided, multiple submitters, no conflicts (2 of 4 stars). 2 submissions from 2 submitters: Uncertain significance (2). Last evaluated 2025-05-14.

Conditions:
Inborn genetic diseases. Identifiers: MedGen C0950123, MeSH D030342.

Allele frequency attached by ClinVar (database versions not stated): gnomAD exomes below 0.00001; ExAC 0.00001; gnomAD 0.00001; TOPMed 0.00001.
gnomAD v4.1: 3 of 1,614,064 alleles (0.00019%); highest among the groups gnomAD compares: Admixed American, 0.0033%; no homozygotes.

Submissions (2):

Ambry Genetics
Classification: Uncertain significance for Inborn genetic diseases. Last evaluated: 2025-05-14. Review status: criteria provided, single submitter. Criteria: Ambry Variant Classification Scheme 2023. Collection method: clinical testing. Allele origin: germline.

Labcorp Genetics (formerly Invitae), Labcorp
Classification: Uncertain significance. Last evaluated: 2022-06-27. Review status: criteria provided, single submitter. Criteria: Invitae Variant Classification Sherloc (09022015). Collection method: clinical testing. Allele origin: germline.
Comment: In summary, the available evidence is currently insufficient to determine the role of this variant in disease. Therefore, it has been classified as a Variant of Uncertain Significance. Algorithms developed to predict the effect of missense changes on protein structure and function are either unavailable or do not agree on the potential impact of this missense change (SIFT: "Deleterious"; PolyPhen-2: "Benign"; Align-GVGD: "Class C35"). This variant has not been reported in the literature in individuals affected with MERTK-related conditions. This variant is present in population databases (rs759851635, gnomAD 0.004%). This sequence change replaces glutamic acid, which is acidic and polar, with valine, which is neutral and non-polar, at codon 416 of the MERTK protein (p.Glu416Val).

NM_006343.3(MERTK):c.1247A>T (p.Glu416Val)

Gene: MERTK (MER proto-oncogene, tyrosine kinase; plus strand). Cytogenetic location: 2q13.
Variant type: single nucleotide variant.
Coding change: c.1247A>T on transcript NM_006343.3 (MANE Select); coding-DNA position 1247, A replaced by T.
Protein change: p.Glu416Val; replaces glutamic acid 416 with valine.
Molecular consequence: missense variant.
Genome position (GRCh38, 1-based): chr2:111,982,944, A>T. VCF-style: chr2-111982944-A-T. GRCh37 (hg19) VCF-style: chr2-112740521-A-T.
Other names: c.1247A>T (NM_006343.2); short protein forms E416V.
Identifiers: ClinVar variation 1969160 (VCV001969160.6), dbSNP rs759851635, ClinGen allele CA1831304.